The following is an entry in ClinVar:

NM_177438.3(DICER1):c.5015A>G (p.Lys1672Arg)

Gene: DICER1 (dicer 1, ribonuclease III; minus strand). Cytogenetic location: 14q32.13.
Variant type: single nucleotide variant.
Coding change: c.5015A>G on transcript NM_177438.3 (MANE Select); coding-DNA position 5015, A replaced by G.
Protein change: p.Lys1672Arg; replaces lysine 1672 with arginine.
Molecular consequence: missense variant.
Genome position (GRCh38, 1-based): chr14:95,095,905, T>C on the plus strand (A>G on the coding strand, the complement: DICER1 is on the minus strand). VCF-style: chr14-95095905-T-C. GRCh37 (hg19) VCF-style: chr14-95562242-T-C.
Other names: c.5015A>G, p.Lys1672Arg (NM_001195573.1, NM_001271282.3, NM_001291628.2 and 1 more transcripts); short protein forms K1672R.
Identifiers: ClinVar variation 825372 (VCV000825372.4), dbSNP rs1595337744, ClinGen allele CA390866095.

ClinVar aggregate classification (germline): Uncertain significance (1 of 4 stars; one submission).

Conditions:
Hereditary cancer-predisposing syndrome. Also called: Neoplastic Syndromes, Hereditary; Tumor predisposition; Hereditary neoplastic syndrome; Hereditary Cancer Syndrome. Identifiers: Orphanet 140162, MedGen C0027672, MeSH D009386, MONDO:0015356.

Submission:

Ambry Genetics
Classification: Uncertain significance for Hereditary cancer-predisposing syndrome. Last evaluated: 2019-02-18. Review status: criteria provided, single submitter. Criteria: Ambry Variant Classification Scheme 2023. Collection method: clinical testing. Allele origin: germline.
Comment: The p.K1672R variant (also known as c.5015A>G), located in coding exon 22 of the DICER1 gene, results from an A to G substitution at nucleotide position 5015. The lysine at codon 1672 is replaced by arginine, an amino acid with highly similar properties. This amino acid position is highly conserved in available vertebrate species. In addition, the in silico prediction for this alteration is inconclusive. Since supporting evidence is limited at this time, the clinical significance of this alteration remains unclear.